The following is an entry in ClinVar:

NM_015065.3(EXPH5):c.2890C>T (p.His964Tyr)

Gene: EXPH5 (exophilin 5; minus strand). Cytogenetic location: 11q22.3.
Variant type: single nucleotide variant.
Coding change: c.2890C>T on transcript NM_015065.3 (MANE Select); coding-DNA position 2890, C replaced by T.
Protein change: p.His964Tyr; replaces histidine 964 with tyrosine.
Molecular consequence: missense variant.
Genome position (GRCh38, 1-based): chr11:108,512,617, G>A on the plus strand (C>T on the coding strand, the complement: EXPH5 is on the minus strand). VCF-style: chr11-108512617-G-A. GRCh37 (hg19) VCF-style: chr11-108383344-G-A.
Other names: c.2662C>T, p.His888Tyr (NM_001144763.2); c.2422C>T, p.His808Tyr (NM_001144764.2); c.2326C>T, p.His776Tyr (NM_001144765.2); c.2869C>T, p.His957Tyr (NM_001308019.2); short protein forms H888Y, H957Y, H808Y, H776Y, H964Y.
Identifiers: ClinVar variation 1029346 (VCV001029346.1), dbSNP rs755877213, ClinGen allele CA6267792.

ClinVar aggregate classification (germline): Uncertain significance (1 of 4 stars; one submission).

Conditions:
Epidermolysis bullosa simplex 4, localized or generalized intermediate, autosomal recessive. Also called: Epidermolysis bullosa, nonspecific, autosomal recessive. Identifiers: Orphanet 412189, MedGen C3554367, MONDO:0014014, OMIM 615028.

Allele frequency attached by ClinVar (database versions not stated): TOPMed below 0.00001; gnomAD 0.00001; gnomAD exomes 0.00001 and 0.00003; ExAC 0.00003.
gnomAD v4.1: 8 of 1,613,608 alleles (0.0005%); highest among the groups gnomAD compares: Admixed American, 0.012%; no homozygotes.

Submission:

Baylor Genetics
Classification: Uncertain significance for Epidermolysis bullosa simplex 4, localized or generalized intermediate, autosomal recessive. Last evaluated: 2019-05-09. Review status: criteria provided, single submitter. Criteria: ACMG Guidelines, 2015. Collection method: clinical testing. Allele origin: maternal. Affected: yes.
Comment: This variant was determined to be of uncertain significance according to ACMG Guidelines, 2015 [PMID:25741868].